The following is an entry in ClinVar:

ClinVar aggregate classification (germline): Conflicting classifications of pathogenicity. Review status: criteria provided, conflicting classifications (1 of 4 stars). 2 submissions from 2 submitters: Uncertain significance (1); Likely benign (1). Last evaluated 2023-12-15.

Conditions:
Hereditary cancer-predisposing syndrome. Also called: Neoplastic Syndromes, Hereditary; Tumor predisposition; Hereditary Cancer Syndrome; Hereditary neoplastic syndrome. Identifiers: Orphanet 140162, MedGen C0027672, MeSH D009386, MONDO:0015356.
Haddad syndrome (OHD). Also called: Ondine-Hirschsprung disease. Identifiers: Orphanet 99803, MedGen C1859049, MONDO:0020493.

Allele frequency attached by ClinVar (database versions not stated): gnomAD 0.00001.

Submissions (2):

Ambry Genetics
Classification: Likely benign for Hereditary cancer-predisposing syndrome. Last evaluated: 2023-12-15. Review status: criteria provided, single submitter. Criteria: Ambry Variant Classification Scheme 2023. Collection method: clinical testing. Allele origin: germline.

Labcorp Genetics (formerly Invitae), Labcorp
Classification: Uncertain significance for Haddad syndrome. Last evaluated: 2019-12-30. Review status: criteria provided, single submitter. Criteria: Invitae Variant Classification Sherloc (09022015). Collection method: clinical testing. Allele origin: germline.
Comment: Algorithms developed to predict the effect of missense changes on protein structure and function output the following: SIFT: "Tolerated"; PolyPhen-2: "Unknown"; Align-GVGD: "Class C0". The serine amino acid residue is found in multiple mammalian species, suggesting that this missense change does not adversely affect protein function. These predictions have not been confirmed by published functional studies and their clinical significance is uncertain. This variant has not been reported in the literature in individuals with PHOX2B-related disease. While this variant is not present in population databases, the frequency information is unreliable, as metrics indicate poor data quality at this position in the ExAC database. This sequence change replaces glycine with serine at codon 240 of the PHOX2B protein (p.Gly240Ser). The glycine residue is moderately conserved and there is a small physicochemical difference between glycine and serine. In summary, the available evidence is currently insufficient to determine the role of this variant in disease. Therefore, it has been classified as a Variant of Uncertain Significance.

NM_003924.4(PHOX2B):c.718G>A (p.Gly240Ser)

Gene: PHOX2B (paired like homeobox 2B; minus strand). Cytogenetic location: 4p13.
Variant type: single nucleotide variant.
Coding change: c.718G>A on transcript NM_003924.4 (MANE Select); coding-DNA position 718, G replaced by A.
Protein change: p.Gly240Ser; replaces glycine 240 with serine.
Molecular consequence: missense variant.
Genome position (GRCh38, 1-based): chr4:41,746,034, C>T on the plus strand (G>A on the coding strand, the complement: PHOX2B is on the minus strand). VCF-style: chr4-41746034-C-T. GRCh37 (hg19) VCF-style: chr4-41748051-C-T.
Other names: short protein forms G240S.
Identifiers: ClinVar variation 467739 (VCV000467739.11), dbSNP rs1183113572, ClinGen allele CA356737283.